The following is an entry in ClinVar:

ClinVar aggregate classification (germline): Likely pathogenic (1 of 4 stars; one submission).

Submission:

Labcorp Genetics (formerly Invitae), Labcorp
Classification: Likely pathogenic. Last evaluated: 2022-12-10. Review status: criteria provided, single submitter. Criteria: Invitae Variant Classification Sherloc (09022015). Collection method: clinical testing. Allele origin: germline.
Comment: In summary, the currently available evidence indicates that the variant is pathogenic, but additional data are needed to prove that conclusively. Therefore, this variant has been classified as Likely Pathogenic. Algorithms developed to predict the effect of sequence changes on RNA splicing suggest that this variant may disrupt the consensus splice site. This sequence change affects an acceptor splice site in intron 14 of the HPS3 gene. It is expected to disrupt RNA splicing. Variants that disrupt the donor or acceptor splice site typically lead to a loss of protein function (PMID: 16199547), and loss-of-function variants in HPS3 are known to be pathogenic (PMID: 11590544). This variant is not present in population databases (gnomAD no frequency). This variant has not been reported in the literature in individuals affected with HPS3-related conditions.

Literature cited by the submitters: PubMed 16199547; PubMed 11590544.

NM_032383.5(HPS3):c.2590-2A>T

Genes: CP (ceruloplasmin; minus strand), HPS3 (HPS3 biogenesis of lysosomal organelles complex 2 subunit 1; plus strand). Cytogenetic location: 3q24.
Variant type: single nucleotide variant.
Coding change: c.2590-2A>T on transcript NM_032383.5 (MANE Select); the canonical splice acceptor site of the intron before coding-DNA position 2590, A replaced by T.
Molecular consequence: splice acceptor variant.
Genome position (GRCh38, 1-based): chr3:149,167,032, A>T. VCF-style: chr3-149167032-A-T. GRCh37 (hg19) VCF-style: chr3-148884819-A-T.
Other names: c.2095-2A>T (NM_001308258.2).
Identifiers: ClinVar variation 2819845 (VCV002819845.3), dbSNP rs1288851720, ClinGen allele CA354925212.